The following is an entry in ClinVar:

NM_130384.3(ATRIP):c.2293G>A (p.Val765Met)

Genes: ATRIP (ATR interacting protein; plus strand), ATRIP-TREX1 (ATRIP-TREX1 readthrough; plus strand). Cytogenetic location: 3p21.31.
Variant type: single nucleotide variant.
Coding change: c.2293G>A on transcript NM_130384.3 (MANE Select); coding-DNA position 2293, G replaced by A.
Protein change: p.Val765Met; replaces valine 765 with methionine.
Molecular consequence: missense variant. On other transcripts: non-coding transcript variant (1).
Genome position (GRCh38, 1-based): chr3:48,465,068, G>A. VCF-style: chr3-48465068-G-A. GRCh37 (hg19) VCF-style: chr3-48506467-G-A.
Other names: c.1912G>A, p.Val638Met (NM_001271022.2); c.2014G>A, p.Val672Met (NM_001271023.2); c.2212G>A, p.Val738Met (NM_032166.4); short protein forms V765M, V738M, V638M, V672M.
Identifiers: ClinVar variation 4182168 (VCV004182168.1).

ClinVar aggregate classification (germline): Uncertain significance (1 of 4 stars; one submission).

gnomAD v4.1: 3 of 1,609,390 alleles (0.00019%); highest among the groups gnomAD compares: Admixed American, 0.005%; no homozygotes.

Submission:

Ambry Genetics
Classification: Uncertain significance. Last evaluated: 2025-07-17. Review status: criteria provided, single submitter. Criteria: Ambry Variant Classification Scheme 2023. Collection method: clinical testing. Allele origin: germline.
Comment: The p.V765M variant (also known as c.2293G>A), located in coding exon 12 of the ATRIP gene, results from a G to A substitution at nucleotide position 2293. The valine at codon 765 is replaced by methionine, an amino acid with highly similar properties. This amino acid position is conserved. In addition, this alteration is predicted to be tolerated by in silico analysis. Based on the available evidence, the clinical significance of this variant remains unclear.